The following is an entry in ClinVar:

ClinVar aggregate classification (germline): Benign/Likely benign. Review status: criteria provided, multiple submitters, no conflicts (2 of 4 stars). 4 submissions from 4 submitters: Benign (1); Likely benign (3). Last evaluated 2024-05-02.

Conditions:
Hereditary cancer-predisposing syndrome. Also called: Tumor predisposition; Neoplastic Syndromes, Hereditary; Hereditary Cancer Syndrome; Hereditary neoplastic syndrome. Identifiers: Orphanet 140162, MedGen C0027672, MeSH D009386, MONDO:0015356.
Familial cancer of breast. Also called: BREAST CANCER, FAMILIAL; hereditary breast carcinoma; Hereditary breast cancer. Identifiers: Orphanet 227535, MedGen C0346153, MONDO:0016419, OMIM 114480. Disease mechanism: loss of function.
Ataxia-telangiectasia syndrome (AT). Also called: Ataxia-telangiectasia; Ataxia-telangiectasia, complementation group D; AT, COMPLEMENTATION GROUP C; LOUIS-BAR SYNDROME; Cerebello-oculocutaneous telangiectasia; Immunodeficiency with ataxia telangiectasia. Identifiers: Orphanet 100, MedGen C0004135, MONDO:0008840, OMIM 208900.

Allele frequency attached by ClinVar (database versions not stated): gnomAD exomes 0.00001.
gnomAD v4.1: 7 of 1,613,968 alleles (0.00043%); highest among the groups gnomAD compares: Non-Finnish European, 0.00042%; no homozygotes.

Submissions (4):

Myriad Genetics, Inc.
Classification: Benign for Familial cancer of breast. Last evaluated: 2024-05-02. Review status: criteria provided, single submitter. Criteria: Myriad Autosomal Dominant, Autosomal Recessive and X-Linked Classification Criteria (2023). Collection method: clinical testing. Allele origin: unknown.
Comment: This variant is considered benign. This variant is a silent/synonymous amino acid change and it is not expected to impact splicing.

Labcorp Genetics (formerly Invitae), Labcorp
Classification: Likely benign for Ataxia-telangiectasia syndrome. Last evaluated: 2022-09-14. Review status: criteria provided, single submitter. Criteria: Invitae Variant Classification Sherloc (09022015). Collection method: clinical testing. Allele origin: germline.

Ambry Genetics
Classification: Likely benign for Hereditary cancer-predisposing syndrome. Last evaluated: 2020-01-06. Review status: criteria provided, single submitter. Criteria: Ambry Variant Classification Scheme 2023. Collection method: clinical testing. Allele origin: germline.

Color Diagnostics, LLC DBA Color Health
Classification: Likely benign for Hereditary cancer-predisposing syndrome. Last evaluated: 2017-10-27. Review status: criteria provided, single submitter. Criteria: ACMG Guidelines, 2015. Collection method: clinical testing. Allele origin: germline.

NM_000051.4(ATM):c.1944A>G (p.Val648=)

Gene: ATM (ATM serine/threonine kinase; plus strand). Cytogenetic location: 11q22.3.
Variant type: single nucleotide variant.
Coding change: c.1944A>G on transcript NM_000051.4 (MANE Select); coding-DNA position 1944, A replaced by G.
Protein change: p.Val648=; no amino-acid change (valine 648 retained).
Molecular consequence: synonymous variant.
Genome position (GRCh38, 1-based): chr11:108,253,859, A>G. VCF-style: chr11-108253859-A-G. GRCh37 (hg19) VCF-style: chr11-108124586-A-G.
Other names: c.1944A>G, p.Val648= (NM_001351834.2).
Identifiers: ClinVar variation 490448 (VCV000490448.11), dbSNP rs1555073161, ClinGen allele CA476672357.